The following is an entry in ClinVar:

ClinVar aggregate classification (germline): Likely benign (0 of 4 stars; one submission).

Conditions:
CUL9-related disorder. Also called: CUL9-related condition.

Allele frequency attached by ClinVar (database versions not stated): gnomAD exomes 0.00014; gnomAD 0.00015; ExAC 0.00050.
gnomAD v4.1: 222 of 1,614,212 alleles (0.014%); highest among the groups gnomAD compares: Admixed American, 0.35%; no homozygotes.

Submission:

PreventionGenetics, part of Exact Sciences
Classification: Likely benign for CUL9-related condition. Last evaluated: 2022-08-02. Review status: no assertion criteria provided. Collection method: clinical testing. Allele origin: germline.
Comment: This variant is classified as likely benign based on ACMG/AMP sequence variant interpretation guidelines (Richards et al. 2015 PMID: 25741868, with internal and published modifications).

NM_015089.4(CUL9):c.3227G>A (p.Cys1076Tyr)

Gene: CUL9 (cullin 9; plus strand). Cytogenetic location: 6p21.1.
Variant type: single nucleotide variant.
Coding change: c.3227G>A on transcript NM_015089.4 (MANE Select); coding-DNA position 3227, G replaced by A.
Protein change: p.Cys1076Tyr; replaces cysteine 1076 with tyrosine.
Molecular consequence: missense variant.
Genome position (GRCh38, 1-based): chr6:43,199,999, G>A. VCF-style: chr6-43199999-G-A. GRCh37 (hg19) VCF-style: chr6-43167737-G-A.
Other names: short protein forms C1076Y.
Identifiers: ClinVar variation 3045272 (VCV003045272.2), dbSNP rs769540926, ClinGen allele CA3817791.